The following is an entry in ClinVar:

NM_000059.4(BRCA2):c.8754+1G>A

Gene: BRCA2 (BRCA2 DNA repair associated; plus strand). Cytogenetic location: 13q13.1.
Variant type: single nucleotide variant.
Coding change: c.8754+1G>A on transcript NM_000059.4 (MANE Select); the canonical splice donor site of the intron after coding-DNA position 8754, G replaced by A.
Molecular consequence: splice donor variant.
Genome position (GRCh38, 1-based): chr13:32,376,792, G>A. VCF-style: chr13-32376792-G-A. GRCh37 (hg19) VCF-style: chr13-32950929-G-A.
Other names: c.8754+1G>A (NM_001406720.1); c.8658+1G>A (NM_001406719.1); c.3822+1G>A (NM_001406721.1); c.2337+1G>A (NM_001406722.1).
Identifiers: ClinVar variation 52667 (VCV000052667.43), dbSNP rs397508006, ClinGen allele CA025803.
Genomic context (GRCh38, chr13:32,376,792, plus strand): 5'-CAAGATGGTGCAGAGCTTTATGAAGCAGTGAAGAATGCAGCAGACCCAGCTTACCTTGAG[G>A]TGAGAGAGTAAGAGGACATATAATGAGGCTTGATGATTATTCAAGGTGAGAAGCTGTTTT-3'

ClinVar aggregate classification (germline): Pathogenic. Review status: criteria provided, multiple submitters, no conflicts (2 of 4 stars). 9 submissions from 9 submitters: Pathogenic (8). 1 of the submissions does not count toward it. Last evaluated 2025-10-29.

Conditions:
Hereditary cancer-predisposing syndrome. Also called: Neoplastic Syndromes, Hereditary; Tumor predisposition; Hereditary neoplastic syndrome; Hereditary Cancer Syndrome. Identifiers: Orphanet 140162, MedGen C0027672, MeSH D009386, MONDO:0015356.
Hereditary breast ovarian cancer syndrome. Also called: Hereditary breast and ovarian cancer syndrome; Hereditary breast and ovarian cancer; Hereditary breast and ovarian cancer syndrome (HBOC); Breast and ovarian cancer; Hereditary breast and/or ovarian cancer syndrome; BRCA1- and BRCA2-Associated Hereditary Breast and Ovarian Cancer. Identifiers: Orphanet 145, MedGen C0677776, MeSH D061325, MONDO:0003582. Disease mechanism: loss of function.
Breast-ovarian cancer, familial, susceptibility to, 2 (BROVCA2). Also called: BRCA2 Hereditary Breast and Ovarian Cancer. Identifiers: Orphanet 145, MedGen C2675520, MONDO:0012933, OMIM 612555. Disease mechanism: loss of function.
Malignant tumor of breast. Also called: Malignant breast neoplasm; Cancer breast. Identifiers: MedGen C0006142, MONDO:0007254. Disease mechanism: loss of function.

Submissions (9):

Labcorp Genetics (formerly Invitae), Labcorp
Classification: Pathogenic for Hereditary breast ovarian cancer syndrome. Last evaluated: 2025-10-29. Review status: criteria provided, single submitter. Criteria: Invitae Variant Classification Sherloc (09022015). Collection method: clinical testing. Allele origin: germline.
Comment: This sequence change affects a donor splice site in intron 21 of the BRCA2 gene. RNA analysis indicates that disruption of this splice site induces altered splicing and may result in an absent or altered protein product. This variant is not present in population databases (gnomAD no frequency). Disruption of this splice site has been observed in individual(s) with breast and/or ovarian cancer (PMID: 18597679, 23199084, 28947987). In at least one individual the variant was observed to be de novo. It is commonly reported in individuals of Austrian ancestry (PMID: 23199084). ClinVar contains an entry for this variant (Variation ID: 52667). Studies have shown that disruption of this splice site results in insertion of intronic sequence, and produces a non-functional protein and/or introduces a premature termination codon (PMID: 18597679). For these reasons, this variant has been classified as Pathogenic.

Ambry Genetics
Classification: Pathogenic for Hereditary cancer-predisposing syndrome. Last evaluated: 2024-07-10. Review status: criteria provided, single submitter. Criteria: Ambry Variant Classification Scheme 2023. Collection method: clinical testing. Allele origin: germline.
Comment: The c.8754+1G>A intronic pathogenic mutation results from a G to A substitution one nucleotide after coding exon 20 of the BRCA2 gene. Functional analysis and RNA studies indicated abolishment of the native donor site and activation of a cryptic splice site 46 base pairs downstream in coding intron 20, resulting in a premature stop codon and truncated protein (Ambry internal data; Hansen TV et al. BMC Med. Genet. 2008;9:58). This alteration is reported to be an Austrian founder mutation (Janaviius R EPMA J 2010 Sep;1(3):397-412), but has also been identified in individuals from other countries (Solano AR et al. Oncotarget 2017 Sep;8(36):60487-60495). This variant is considered to be rare based on population cohorts in the Genome Aggregation Database (gnomAD). In addition to the clinical data presented in the literature, alterations that disrupt the canonical splice site are expected to cause aberrant splicing, resulting in an abnormal protein or a transcript that is subject to nonsense-mediated mRNA decay. As such, this alteration is classified as a disease-causing mutation.

Revvity Omics, Revvity
Classification: Pathogenic. Last evaluated: 2022-12-15. Review status: criteria provided, single submitter. Criteria: ACMG Guidelines, 2015. Collection method: clinical testing. Allele origin: germline.

Color Diagnostics, LLC DBA Color Health
Classification: Pathogenic for Hereditary cancer-predisposing syndrome. Last evaluated: 2022-03-07. Review status: criteria provided, single submitter. Criteria: ACMG Guidelines, 2015. Collection method: clinical testing. Allele origin: germline.
Comment: This variant causes a G to A nucleotide substitution at the +1 position of intron 21 of the BRCA2 gene. This variant is also known as IVS21+1G>A based on Breast Cancer Information Core (BIC) nomenclature. An RNA study has shown that this variant results in the use of a cryptic splice site in intron 21, and is expected to create a premature stop codon and result in an absent or non-functional protein product (PMID: 18597679). This variant has been reported in individuals affected with breast and ovarian cancer, and described as de novo in an individual affected with early onset breast cancer (PMID: 18597679, 28947987; Color internal data). This variant has been identified in one family among the CIMBA participants (PMID: 29446198). This variant has not been identified in the general population by the Genome Aggregation Database (gnomAD). Loss of BRCA2 function is a known mechanism of disease. Based on the available evidence, this variant is classified as Pathogenic.

National Health Laboratory Service, Universitas Academic Hospital and University of the Free State
Classification: Pathogenic for Hereditary breast ovarian cancer syndrome. Last evaluated: 2021-11-16. Review status: criteria provided, single submitter. Criteria: ACMG Guidelines, 2015. Collection method: clinical testing. Allele origin: germline. Affected: yes. Observed: 1 variant allele.

Women's Health and Genetics/Laboratory Corporation of America, LabCorp
Classification: Pathogenic for Hereditary breast and ovarian cancer syndrome. Last evaluated: 2018-08-24. Review status: criteria provided, single submitter. Criteria: LabCorp Variant Classification Summary - May 2015. Collection method: clinical testing. Allele origin: germline.
Comment: Variant summary: BRCA2 c.8754+1G>A is located in a canonical splice-site and is predicted to affect mRNA splicing resulting in a significantly altered protein due to either exon skipping, shortening, or inclusion of intronic material. Several computational tools predict a significant impact on normal splicing: Four predict the variant abolishes a 5 splicing donor site. Exon trapping and RT-PCR analysis of patient blood showed that the mutation activates a cryptic splice site 46 base pairs 3' of exon 21, resulting in the inclusion of a premature stop codon and synthesis of a truncated BRCA2 protein (Hansen_2008). The variant was absent in 245740 control chromosomes (gnomAD). The variant, c.8754+1G>A, has been reported in the literature in individuals affected with Hereditary Breast and Ovarian Cancer, and in one case was reported as a de novo mutation (Francies_2015, Hansen_2008, Solano_2016, Thomassen_2008). These data indicate that the variant is likely to be associated with disease. Three clinical diagnostic laboratories have submitted clinical-significance assessments for this variant to ClinVar after 2014 without evidence for independent evaluation. All laboratories classified the variant as pathogenic. Based on the evidence outlined above, the variant was classified as pathogenic.

Consortium of Investigators of Modifiers of BRCA1/2 (CIMBA), c/o University of Cambridge
Classification: Pathogenic for Breast-ovarian cancer, familial, susceptibility to, 2. Last evaluated: 2015-10-02. Review status: criteria provided, single submitter. Criteria: CIMBA Mutation Classification guidelines May 2016. Collection method: clinical testing. Allele origin: germline.

Quest Diagnostics Nichols Institute San Juan Capistrano
Classification: Pathogenic for Breast-ovarian cancer, familial, susceptibility to, 2. Last evaluated: 2015-02-28. Review status: criteria provided, single submitter. Criteria: Quest Diagnostics criteria. Collection method: clinical testing. Allele origin: germline. Inheritance: Autosomal dominant inheritance.

Department of Pathology and Laboratory Medicine, Sinai Health System
Classification: Pathogenic for Malignant tumor of breast. Review status: no assertion criteria provided. Collection method: clinical testing. Allele origin: unknown. Affected: yes. Study: The Canadian Open Genetics Repository (COGR). Not counted in ClinVar's aggregate classification.
Comment: The variant was also later identified in 1 of 1880 proband chromosomes (frequency: 0.001) from Argentinian individuals or families with familial and/or personal history of breast/ovarian cancer (Solano 2016). The variant was also identified in dbSNP (ID: rs397508006) as â€šÃ„ÃºWith Pathogenic alleleâ€šÃ„Ã¹, Clinvitae database (classification pathogenic), and ARUP Laboratories BRCA Mutations Database (classification definitely pathogenic), the ClinVar database (classification pathogenic by Quest Diagnostics Nichols Institute San Juan Capistrano and the Consortium of Investigators of Modifiers of BRCA1/2 c/o University of Cambridge, and by Invitae (classification not provided)); it was not identified in GeneInsight COGR database, UMD, Fanconi Anemia Mutation Database (LOVD), LOVD-IARC database, COSMIC, 1000 Genomes Project, NHLBI GO Exome Sequencing Project, and the Exome Aggregation Consortium database (August 8, 2016). The c.8754+1G>A variant is predicted to cause abnormal splicing because the nucleotide substitution occurs in the invariant region of the splice consensus sequence. In addition, 5 of 5 in silico or computational prediction software programs (SpliceSiteFinder, MaxEntScan, NNSPLICE, GeneSplicer, HumanSpliceFinder) predict a greater than 10% difference in splicing, correlating with the above published findings. In summary, based on the above information, this variant meets our laboratoryâ€šÃ„Ã´s criteria to be classified as pathogenic.

Literature cited by the submitters: PubMed 18597679 (cited by 5 submitters); PubMed 23199084 (cited by 3 submitters); PubMed 28947987 (cited by Labcorp Genetics (formerly Invitae), Labcorp and Color Diagnostics, LLC DBA Color Health); PubMed 29446198 (cited by Color Diagnostics, LLC DBA Color Health); DOI 10.3389/fgene.2022.834265 (cited by National Health Laboratory Service, Universitas Academic Hospital and University of the Free State); PubMed 18465347 (cited by Women's Health and Genetics/Laboratory Corporation of America, LabCorp); PubMed 25382762 (cited by Quest Diagnostics Nichols Institute San Juan Capistrano); PubMed 26295337 (cited by Quest Diagnostics Nichols Institute San Juan Capistrano).